The following is an entry in ClinVar:

NM_001035.3(RYR2):c.14528G>T (p.Arg4843Leu)

Gene: RYR2 (ryanodine receptor 2; plus strand). Cytogenetic location: 1q43.
Variant type: single nucleotide variant.
Coding change: c.14528G>T on transcript NM_001035.3 (MANE Select); coding-DNA position 14528, G replaced by T.
Protein change: p.Arg4843Leu; replaces arginine 4843 with leucine.
Molecular consequence: missense variant.
Genome position (GRCh38, 1-based): chr1:237,819,130, G>T. VCF-style: chr1-237819130-G-T. GRCh37 (hg19) VCF-style: chr1-237982430-G-T.
Other names: short protein forms R4843L.
Identifiers: ClinVar variation 3895065 (VCV003895065.1).

ClinVar aggregate classification (germline): Likely pathogenic (1 of 4 stars; one submission).

Conditions:
Cardiovascular phenotype. Identifiers: MedGen CN230736.

Submission:

Molecular Diagnostic Laboratory for Inherited Cardiovascular Disease, Montreal Heart Institute
Classification: Likely pathogenic for Cardiovascular phenotype. Last evaluated: 2023-12-15. Review status: criteria provided, single submitter. Criteria: ACMG Guidelines, 2015. Collection method: clinical testing. Allele origin: germline. Affected: yes.
Comment: PM1, PM2, PP2, PP3